The following is an entry in ClinVar:

NM_001386140.1(MTTP):c.1065_1067+6del

Gene: MTTP (microsomal triglyceride transfer protein; plus strand). Cytogenetic location: 4q23.
Variant type: Deletion.
Coding change: c.1065_1067+6del on transcript NM_001386140.1 (MANE Select); coding-DNA position 1065 through 6 bases into the intron after coding-DNA position 1067, 9 bases deleted (ATTGTAAGT; older notation c.1065_1067+6delATTGTAAGT).
Molecular consequence: splice donor variant.
Genome position (GRCh38, 1-based): chr4:99,597,222-99,597,230, ATTGTAAGT deleted; deleting any 9 consecutive bases within chr4:99,597,218-99,597,230 gives the same sequence; the c. name uses the placement nearest the transcript's 3' end. VCF-style (leftmost placement, unchanged base first): chr4-99597217-GAAGTATTGT-G. GRCh37 (hg19) VCF-style: chr4-100518374-GAAGTATTGT-G.
Other names: c.1065_1067+6del (NM_000253.4); c.816_818+6del (NM_001300785.2).
Identifiers: ClinVar variation 1957408 (VCV001957408.5), dbSNP rs1725580167, ClinGen allele CA1480077803.

ClinVar aggregate classification (germline): Likely pathogenic (1 of 4 stars; one submission).

Submission:

Labcorp Genetics (formerly Invitae), Labcorp
Classification: Likely pathogenic. Last evaluated: 2022-07-20. Review status: criteria provided, single submitter. Criteria: Invitae Variant Classification Sherloc (09022015). Collection method: clinical testing. Allele origin: germline.
Comment: In summary, the currently available evidence indicates that the variant is pathogenic, but additional data are needed to prove that conclusively. Therefore, this variant has been classified as Likely Pathogenic. Algorithms developed to predict the effect of sequence changes on RNA splicing suggest that this variant may disrupt the consensus splice site. This variant has not been reported in the literature in individuals affected with MTTP-related conditions. This variant is not present in population databases (gnomAD no frequency). This variant results in the deletion of part of exon 9 (c.1065_1067+6del) of the MTTP gene. It is expected to disrupt RNA splicing. Variants that disrupt the donor or acceptor splice site typically lead to a loss of protein function (PMID: 16199547), and loss-of-function variants in MTTP are known to be pathogenic (PMID: 8533758, 9671739).

Literature cited by the submitters: PubMed 16199547; PubMed 8533758; PubMed 9671739.